The following is an entry in ClinVar:

ClinVar aggregate classification (germline): Uncertain significance. Review status: criteria provided, multiple submitters, no conflicts (2 of 4 stars). 2 submissions from 2 submitters: Uncertain significance (2). Last evaluated 2023-08-23.

Conditions:
Oto-palato-digital syndrome, type II (OPD2). Also called: Otopalatodigital Syndrome, Type II; FACIOPALATOOSSEOUS SYNDROME; OPD II SYNDROME; Otopalatodigital Syndrome Type 2 (FLNA-OPD2). Identifiers: Orphanet 669, Orphanet 90652, MedGen C1844696, MONDO:0010571, OMIM 304120.
Frontometaphyseal dysplasia (FMD1). Identifiers: Orphanet 1826, MedGen C0265293, MONDO:0015942.
Heterotopia, periventricular, X-linked dominant (PVNH1). Also called: PERIVENTRICULAR NODULAR HETEROTOPIA 1; X-linked periventricular heterotopia; PERIVENTRICULAR NODULAR HETEROTOPIA 4; HETEROTOPIA, PERIVENTRICULAR, 1. Identifiers: Orphanet 2149, Orphanet 82004, MedGen C1848213, MONDO:0010233, OMIM 300049.
Melnick-Needles syndrome (MNS). Also called: MELNICK-NEEDLES OSTEODYSPLASTY; OSTEODYSPLASTY OF MELNICK AND NEEDLES; Melnick-Needles Syndrome (FLNA-MNS). Identifiers: Orphanet 2484, MedGen C0025237, MONDO:0010650, OMIM 309350.

Submissions (2):

Labcorp Genetics (formerly Invitae), Labcorp
Classification: Uncertain significance for Oto-palato-digital syndrome, type II; Heterotopia, periventricular, X-linked dominant; Frontometaphyseal dysplasia; Melnick-Needles syndrome. Last evaluated: 2023-08-23. Review status: criteria provided, single submitter. Criteria: Invitae Variant Classification Sherloc (09022015). Collection method: clinical testing. Allele origin: germline.
Comment: In summary, the available evidence is currently insufficient to determine the role of this variant in disease. Therefore, it has been classified as a Variant of Uncertain Significance. Advanced modeling of protein sequence and biophysical properties (such as structural, functional, and spatial information, amino acid conservation, physicochemical variation, residue mobility, and thermodynamic stability) performed at Invitae indicates that this missense variant is not expected to disrupt FLNA protein function. ClinVar contains an entry for this variant (Variation ID: 213516). This variant has not been reported in the literature in individuals affected with FLNA-related conditions. This variant is not present in population databases (gnomAD no frequency). This sequence change replaces proline, which is neutral and non-polar, with serine, which is neutral and polar, at codon 423 of the FLNA protein (p.Pro423Ser).

Laboratory of Medical Genetics, National & Kapodistrian University of Athens
Classification: Uncertain significance for Heterotopia, periventricular, X-linked dominant. Last evaluated: 2021-10-06. Review status: criteria provided, single submitter. Criteria: ACMG Guidelines, 2015. Collection method: clinical testing. Allele origin: unknown.
Comment: PM2, PP3

NM_001110556.2(FLNA):c.1267C>T (p.Pro423Ser)

Gene: FLNA (filamin A; minus strand). Cytogenetic location: Xq28.
Variant type: single nucleotide variant.
Coding change: c.1267C>T on transcript NM_001110556.2 (MANE Select); coding-DNA position 1267, C replaced by T.
Protein change: p.Pro423Ser; replaces proline 423 with serine.
Molecular consequence: missense variant.
Genome position (GRCh38, 1-based): chrX:154,366,186, G>A on the plus strand (C>T on the coding strand, the complement: FLNA is on the minus strand). VCF-style: chrX-154366186-G-A. GRCh37 (hg19) VCF-style: chrX-153594554-G-A.
Other names: c.1267C>T, p.Pro423Ser (NM_001456.4); short protein forms P423S.
Identifiers: ClinVar variation 213516 (VCV000213516.12), dbSNP rs863223643, ClinGen allele CA320876.